The following is an entry in ClinVar:

NM_001083619.3(GRIA2):c.2418T>A (p.Ser806Arg)

Gene: GRIA2 (glutamate ionotropic receptor AMPA type subunit 2; plus strand). Cytogenetic location: 4q32.1.
Variant type: single nucleotide variant.
Coding change: c.2418T>A on transcript NM_001083619.3 (MANE Select); coding-DNA position 2418, T replaced by A.
Protein change: p.Ser806Arg; replaces serine 806 with arginine.
Molecular consequence: missense variant.
Genome position (GRCh38, 1-based): chr4:157,362,810, T>A. VCF-style: chr4-157362810-T-A. GRCh37 (hg19) VCF-style: chr4-158283962-T-A.
Other names: c.2418T>A, p.Ser806Arg (NM_000826.6); c.2277T>A, p.Ser759Arg (NM_001083620.3, NM_001379000.3, NM_001379001.3); short protein forms S759R, S806R.
Identifiers: ClinVar variation 4975848 (VCV004975848.1).

ClinVar aggregate classification (germline): Uncertain significance (1 of 4 stars; one submission).

Submission:

GeneDx
Classification: Uncertain significance. Last evaluated: 2026-02-02. Review status: criteria provided, single submitter. Criteria: GeneDx Variant Classification Process June 2021. Collection method: clinical testing. Allele origin: germline.
Comment: Not observed at significant frequency in large population cohorts (gnomAD); In silico analysis supports that this missense variant has a deleterious effect on protein structure/function; Has not been previously published as pathogenic or benign to our knowledge.